The following is an entry in ClinVar:

NM_001005164.2(OR52E2):c.280A>G (p.Ile94Val)

Gene: OR52E2 (olfactory receptor family 52 subfamily E member 2; minus strand). Cytogenetic location: 11p15.4.
Variant type: single nucleotide variant.
Coding change: c.280A>G on transcript NM_001005164.2 (MANE Select); coding-DNA position 280, A replaced by G.
Protein change: p.Ile94Val; replaces isoleucine 94 with valine.
Molecular consequence: missense variant.
Genome position (GRCh38, 1-based): chr11:5,059,348, T>C on the plus strand (A>G on the coding strand, the complement: OR52E2 is on the minus strand). VCF-style: chr11-5059348-T-C. GRCh37 (hg19) VCF-style: chr11-5080578-T-C.
Other names: short protein forms I94V.
Identifiers: ClinVar variation 3205929 (VCV003205929.3), dbSNP rs150524739, ClinGen allele CA5838542.
Genomic context (GRCh38, chr11:5,059,348, plus strand): 5'-ACTCCATAAGTGTGAAGTTGTGGATAAAAAACATCTGGGTGAGGCAGGCTTCAAAGATGA[T>C]CCCTCTGAGGTTGATCCAGAAGATTCCAAGCATCTTAGGGATGGTAGCTGTTGAGAGACC-3'
Protein context (NP_001005164.2, residues 84-104): LGIFWINLRG[Ile94Val]IFEACLTQMF

ClinVar aggregate classification (germline): Uncertain significance (1 of 4 stars; one submission).

Allele frequency attached by ClinVar (database versions not stated): gnomAD 0.00021; ExAC 0.00008; 1000 Genomes Project 0.00020; ESP Exome Variant Server 0.00031; TOPMed 0.00031; 1000 Genomes Project 30x 0.00031.

Submission:

Ambry Genetics
Classification: Uncertain significance. Last evaluated: 2026-08-27. Review status: criteria provided, single submitter. Criteria: Ambry Variant Classification Scheme 2023. Collection method: clinical testing. Allele origin: germline.
Comment: The c.280A>G (p.I94V) alteration is located in exon 1 (coding exon 1) of the OR52E2 gene. This alteration results from a A to G substitution at nucleotide position 280, causing the isoleucine (I) at amino acid position 94 to be replaced by a valine (V). Based on data from gnomAD, the G allele has an overall frequency of 0.006% (18/281204) total alleles studied. The highest observed frequency was 0.028% (7/24914) of African alleles. Based on insufficient or conflicting evidence, the clinical significance of this alteration remains unclear.